The following is an entry in ClinVar:

ClinVar aggregate classification (germline): Uncertain significance. Review status: criteria provided, single submitter (1 of 4 stars). 2 submissions from 2 submitters: Uncertain significance (1). 1 of the submissions does not count toward it. Last evaluated 2021-09-02.

Conditions:
Glycine encephalopathy. Also called: Nonketotic hyperglycinemia; Non-ketotic hyperglycinemia. Identifiers: Orphanet 407, MedGen C0751748, MONDO:0011612, HP:0008288.

Allele frequency attached by ClinVar (database versions not stated): gnomAD exomes below 0.00001; ExAC 0.00001; gnomAD 0.00003; TOPMed 0.00003; ESP Exome Variant Server 0.00008.
gnomAD v4.1: 5 of 1,603,648 alleles (0.00031%); highest among the groups gnomAD compares: African/African-American, 0.0054%; no homozygotes.

Submissions (2):

Labcorp Genetics (formerly Invitae), Labcorp
Classification: Uncertain significance for Glycine encephalopathy. Last evaluated: 2021-09-02. Review status: criteria provided, single submitter. Criteria: Invitae Variant Classification Sherloc (09022015). Collection method: clinical testing. Allele origin: germline.
Comment: This sequence change replaces arginine with threonine at codon 76 of the GLDC protein (p.Arg76Thr). The arginine residue is moderately conserved and there is a moderate physicochemical difference between arginine and threonine. This variant is present in population databases (rs143358660, ExAC 0.01%). This variant has not been reported in the literature in individuals affected with GLDC-related conditions. Advanced modeling of protein sequence and biophysical properties (such as structural, functional, and spatial information, amino acid conservation, physicochemical variation, residue mobility, and thermodynamic stability) performed at Invitae indicates that this missense variant is not expected to disrupt GLDC protein function. In summary, the available evidence is currently insufficient to determine the role of this variant in disease. Therefore, it has been classified as a Variant of Uncertain Significance.

Natera, Inc.
Classification: Uncertain significance for Non-ketotic hyperglycinemia. Last evaluated: 2020-06-09. Review status: no assertion criteria provided. Collection method: clinical testing. Allele origin: germline. Not counted in ClinVar's aggregate classification.

NM_000170.3(GLDC):c.227G>C (p.Arg76Thr)

Gene: GLDC (glycine decarboxylase; minus strand). Cytogenetic location: 9p24.1.
Variant type: single nucleotide variant.
Coding change: c.227G>C on transcript NM_000170.3 (MANE Select); coding-DNA position 227, G replaced by C.
Protein change: p.Arg76Thr; replaces arginine 76 with threonine.
Molecular consequence: missense variant.
Genome position (GRCh38, 1-based): chr9:6,645,273, C>G on the plus strand (G>C on the coding strand, the complement: GLDC is on the minus strand). VCF-style: chr9-6645273-C-G. GRCh37 (hg19) VCF-style: chr9-6645273-C-G.
Other names: short protein forms R76T.
Identifiers: ClinVar variation 1060997 (VCV001060997.12), dbSNP rs143358660, ClinGen allele CA4981268.